The following is an entry in ClinVar:

NM_001130144.3(LTBP3):c.131G>C (p.Gly44Ala)

Gene: LTBP3 (latent transforming growth factor beta binding protein 3; minus strand). Cytogenetic location: 11q13.1.
Variant type: single nucleotide variant.
Coding change: c.131G>C on transcript NM_001130144.3 (MANE Select); coding-DNA position 131, G replaced by C.
Protein change: p.Gly44Ala; replaces glycine 44 with alanine.
Molecular consequence: missense variant. On other transcripts: 5 prime UTR variant (1).
Genome position (GRCh38, 1-based): chr11:65,557,829, C>G on the plus strand (G>C on the coding strand, the complement: LTBP3 is on the minus strand). VCF-style: chr11-65557829-C-G. GRCh37 (hg19) VCF-style: chr11-65325300-C-G.
Other names: c.-217G>C (NM_001164266.1); c.131G>C, p.Gly44Ala (NM_021070.4); short protein forms G44A.
Identifiers: ClinVar variation 1423787 (VCV001423787.10), dbSNP rs1261373070, ClinGen allele CA381278508.

ClinVar aggregate classification (germline): Uncertain significance. Review status: criteria provided, multiple submitters, no conflicts (2 of 4 stars). 2 submissions from 2 submitters: Uncertain significance (2). Last evaluated 2025-07-21.

Conditions:
Brachyolmia-amelogenesis imperfecta syndrome. Also called: PLATYSPONDYLY WITH AMELOGENESIS IMPERFECTA; Tooth agenesis, selective, 6; Dental anomalies and short stature. Identifiers: Orphanet 2899, MedGen C1832594, MONDO:0011018, OMIM 601216. Disease mechanism: loss of function.
Inborn genetic diseases. Identifiers: MedGen C0950123, MeSH D030342.

Allele frequency attached by ClinVar (database versions not stated): TOPMed 0.00002; gnomAD 0.00003; gnomAD exomes 0.00008.
gnomAD v4.1: 87 of 1,406,716 alleles (0.0062%); highest among the groups gnomAD compares: South Asian, 0.012%; 1 homozygote.

Submissions (2):

Labcorp Genetics (formerly Invitae), Labcorp
Classification: Uncertain significance for Brachyolmia-amelogenesis imperfecta syndrome. Last evaluated: 2025-07-21. Review status: criteria provided, single submitter. Criteria: Invitae Variant Classification Sherloc (09022015). Collection method: clinical testing. Allele origin: germline.
Comment: This sequence change replaces glycine, which is neutral and non-polar, with alanine, which is neutral and non-polar, at codon 44 of the LTBP3 protein (p.Gly44Ala). This variant is present in population databases (no rsID available, gnomAD 0.03%). This variant has not been reported in the literature in individuals affected with LTBP3-related conditions. ClinVar contains an entry for this variant (Variation ID: 1423787). Experimental studies and prediction algorithms are not available or were not evaluated, and the functional significance of this variant is currently unknown. In summary, the available evidence is currently insufficient to determine the role of this variant in disease. Therefore, it has been classified as a Variant of Uncertain Significance.

Ambry Genetics
Classification: Uncertain significance for Inborn genetic diseases. Last evaluated: 2021-09-26. Review status: criteria provided, single submitter. Criteria: Ambry Variant Classification Scheme 2023. Collection method: clinical testing. Allele origin: germline.
Comment: The p.G44A variant (also known as c.131G>C), located in coding exon 1 of the LTBP3 gene, results from a G to C substitution at nucleotide position 131. The glycine at codon 44 is replaced by alanine, an amino acid with similar properties. This amino acid position is conserved. In addition, this alteration is predicted to be tolerated by in silico analysis. Since supporting evidence is limited at this time, the clinical significance of this alteration remains unclear.